The following is an entry in ClinVar:

NM_000126.4(ETFA):c.512C>T (p.Thr171Ile)

Gene: ETFA (electron transfer flavoprotein subunit alpha; minus strand). Cytogenetic location: 15q24.2.
Variant type: single nucleotide variant.
Coding change: c.512C>T on transcript NM_000126.4 (MANE Select); coding-DNA position 512, C replaced by T.
Protein change: p.Thr171Ile; replaces threonine 171 with isoleucine.
Molecular consequence: missense variant.
Genome position (GRCh38, 1-based): chr15:76,286,421, G>A on the plus strand (C>T on the coding strand, the complement: ETFA is on the minus strand). VCF-style: chr15-76286421-G-A. GRCh37 (hg19) VCF-style: chr15-76578762-G-A.
Other names: p.T171I:ACA>ATA; c.365C>T, p.Thr122Ile (NM_001127716.2); short protein forms T171I, T122I.
Identifiers: ClinVar variation 92443 (VCV000092443.36), dbSNP rs1801591, ClinGen allele CA285317.

ClinVar aggregate classification (germline): Benign/Likely benign. Review status: criteria provided, multiple submitters, no conflicts (2 of 4 stars). 11 submissions from 11 submitters: Benign (7); Likely benign (2). 2 of the submissions do not count toward it. Last evaluated 2026-02-04.

Conditions:
Multiple acyl-CoA dehydrogenase deficiency (MADD). Also called: Glutaric acidemia type II; GA 2; Glutaric Acidemia type 2; Glutaric aciduria, type 2; ETHYLMALONIC-ADIPICACIDURIA; GA II. Identifiers: Orphanet 26791, MedGen C0268596, MONDO:0009282, OMIM 231680.

Allele frequency attached by ClinVar (database versions not stated): 1000 Genomes Project 30x 0.04778; TOPMed 0.05376; gnomAD 0.06414 and 0.06468; gnomAD exomes 0.08437 and 0.07355; ESP Exome Variant Server 0.06247; ExAC 0.07705; 1000 Genomes Project 0.05052.
gnomAD v4.1: 132,384 of 1,612,408 alleles (8.2%); highest among the groups gnomAD compares: Non-Finnish European, 9%; 6,118 homozygotes.

Submissions (11):

Labcorp Genetics (formerly Invitae), Labcorp
Classification: Benign for Multiple acyl-CoA dehydrogenase deficiency. Last evaluated: 2026-02-04. Review status: criteria provided, single submitter. Criteria: Invitae Variant Classification Sherloc (09022015). Collection method: clinical testing. Allele origin: germline.

ARUP Laboratories, Molecular Genetics and Genomics, ARUP Laboratories
Classification: Benign for Multiple acyl-CoA dehydrogenase deficiency. Last evaluated: 2025-06-20. Review status: criteria provided, single submitter. Criteria: ARUP Molecular Germline Variant Investigation Process 2024. Collection method: clinical testing. Allele origin: germline.

Blueprint Genetics
Classification: Benign. Last evaluated: 2024-11-27. Review status: criteria provided, single submitter. Criteria: ACMG Guidelines, 2015. Collection method: clinical testing. Allele origin: germline.

Women's Health and Genetics/Laboratory Corporation of America, LabCorp
Classification: Likely benign. Last evaluated: 2021-12-10. Review status: criteria provided, single submitter. Criteria: LabCorp Variant Classification Summary - May 2015. Collection method: clinical testing. Allele origin: germline.

Genome-Nilou Lab
Classification: Benign for Multiple acyl-CoA dehydrogenase deficiency. Last evaluated: 2021-07-01. Review status: criteria provided, single submitter. Criteria: ACMG Guidelines, 2015. Collection method: clinical testing. Allele origin: germline. Affected: no.

Illumina Laboratory Services, Illumina
Classification: Benign for Multiple acyl-CoA dehydrogenase deficiency. Last evaluated: 2018-03-06. Review status: criteria provided, single submitter. Criteria: ICSL Variant Classification Criteria 13 December 2019. Collection method: clinical testing. Allele origin: germline.
Comment: This variant was observed in the ICSL laboratory as part of a predisposition screen in an ostensibly healthy population. It had not been previously curated by ICSL or reported in the Human Gene Mutation Database (HGMD: prior to June 1st, 2018), and was therefore a candidate for classification through an automated scoring system. Utilizing variant allele frequency, disease prevalence and penetrance estimates, and inheritance mode, an automated score was calculated to assess if this variant is too frequent to cause the disease. Based on the score and internal cut-off values, a variant classified as benign is not then subjected to further curation. The score for this variant resulted in a classification of benign for this disease.

Eurofins Ntd Llc (ga)
Classification: Benign. Last evaluated: 2013-03-08. Review status: criteria provided, single submitter. Criteria: EGL Classification Definitions 2015. Collection method: clinical testing. Allele origin: germline. Observed: 5 variant alleles, 4 heterozygotes, 1 homozygote.

GeneDx
Classification: Benign. Last evaluated: 2012-04-24. Review status: criteria provided, single submitter. Criteria: GeneDx Variant Classification (06012015). Collection method: clinical testing. Allele origin: germline. Affected: yes.
Comment: This variant is considered likely benign or benign based on one or more of the following criteria: it is a conservative change, it occurs at a poorly conserved position in the protein, it is predicted to be benign by multiple in silico algorithms, and/or has population frequency not consistent with disease.

Breakthrough Genomics
Classification: Likely benign. Review status: criteria provided, single submitter. Criteria: ACMG Guidelines, 2015. Collection method: not provided. Allele origin: germline. Inheritance: Autosomal recessive inheritance. Affected: yes.

Natera, Inc.
Classification: Benign for Glutaric aciduria type 2. Last evaluated: 2020-09-16. Review status: no assertion criteria provided. Collection method: clinical testing. Allele origin: germline. Not counted in ClinVar's aggregate classification.

Mayo Clinic Laboratories, Mayo Clinic
Classification: Benign. Last evaluated: 2016-02-15. Review status: no assertion criteria provided. Collection method: clinical testing. Allele origin: unknown. Not counted in ClinVar's aggregate classification.